The following is an entry in ClinVar:

ClinVar aggregate classification (germline): Conflicting classifications of pathogenicity. Review status: criteria provided, conflicting classifications (1 of 4 stars). 3 submissions from 3 submitters: Uncertain significance (1); Likely benign (2). Last evaluated 2025-09-23.

Conditions:
Primary ciliary dyskinesia. Also called: Ciliary dyskinesia. Identifiers: Orphanet 244, MedGen C0008780, MONDO:0016575, HP:0012265.

Allele frequency attached by ClinVar (database versions not stated): ExAC 0.00021; gnomAD exomes 0.00025; TOPMed 0.00005; gnomAD 0.00011 and 0.00013.
gnomAD v4.1: 131 of 1,613,112 alleles (0.0081%); highest among the groups gnomAD compares: Admixed American, 0.042%; 1 homozygote.

Submissions (3):

Labcorp Genetics (formerly Invitae), Labcorp
Classification: Likely benign for Primary ciliary dyskinesia. Last evaluated: 2025-09-23. Review status: criteria provided, single submitter. Criteria: Invitae Variant Classification Sherloc (09022015). Collection method: clinical testing. Allele origin: germline.

GeneDx
Classification: Uncertain significance. Last evaluated: 2022-04-20. Review status: criteria provided, single submitter. Criteria: GeneDx Variant Classification Process June 2021. Collection method: clinical testing. Allele origin: germline. Affected: yes.
Comment: In silico analysis supports that this missense variant does not alter protein structure/function; Has not been previously published as pathogenic or benign to our knowledge

Breakthrough Genomics
Classification: Likely benign. Review status: criteria provided, single submitter. Criteria: ACMG Guidelines, 2015. Collection method: not provided. Allele origin: germline. Inheritance: Autosomal recessive inheritance. Affected: yes.

NM_017950.4(CCDC40):c.1057G>A (p.Ala353Thr)

Gene: CCDC40 (coiled-coil domain 40 molecular ruler complex subunit; plus strand). Cytogenetic location: 17q25.3.
Variant type: single nucleotide variant.
Coding change: c.1057G>A on transcript NM_017950.4 (MANE Select); coding-DNA position 1057, G replaced by A.
Protein change: p.Ala353Thr; replaces alanine 353 with threonine.
Molecular consequence: missense variant.
Genome position (GRCh38, 1-based): chr17:80,050,181, G>A. VCF-style: chr17-80050181-G-A. GRCh37 (hg19) VCF-style: chr17-78023980-G-A.
Other names: c.1057G>A, p.Ala353Thr (NM_001243342.2, NM_001330508.2); short protein forms A353T.
Identifiers: ClinVar variation 696663 (VCV000696663.13), dbSNP rs202123909, ClinGen allele CA8813669.